The following is an entry in ClinVar:

NM_001113491.2(SEPTIN9):c.488G>A (p.Arg163Gln)

Gene: SEPTIN9 (septin 9; plus strand). Cytogenetic location: 17q25.3.
Variant type: single nucleotide variant.
Coding change: c.488G>A on transcript NM_001113491.2 (MANE Select); coding-DNA position 488, G replaced by A.
Protein change: p.Arg163Gln; replaces arginine 163 with glutamine.
Molecular consequence: missense variant. On other transcripts: 5 prime UTR variant (2).
Genome position (GRCh38, 1-based): chr17:77,402,470, G>A. VCF-style: chr17-77402470-G-A. GRCh37 (hg19) VCF-style: chr17-75398552-G-A.
Other names: c.-5G>A (NM_001113492.2, NM_001113494.1); c.467G>A, p.Arg156Gln (NM_001113493.2); c.431G>A, p.Arg144Gln (NM_001293695.2); c.434G>A, p.Arg145Gln (NM_006640.5); short protein forms R156Q, R163Q, R144Q, R145Q.
Identifiers: ClinVar variation 2987130 (VCV002987130.3), dbSNP rs1283679370, ClinGen allele CA401206265.

ClinVar aggregate classification (germline): Uncertain significance (1 of 4 stars; one submission).

Allele frequency attached by ClinVar (database versions not stated): gnomAD exomes 0.00001; TOPMed 0.00001.

Submission:

Labcorp Genetics (formerly Invitae), Labcorp
Classification: Uncertain significance. Last evaluated: 2023-03-27. Review status: criteria provided, single submitter. Criteria: Invitae Variant Classification Sherloc (09022015). Collection method: clinical testing. Allele origin: germline.
Comment: This sequence change replaces arginine, which is basic and polar, with glutamine, which is neutral and polar, at codon 145 of the SEPT9 protein (p.Arg145Gln). This variant is not present in population databases (gnomAD no frequency). This variant has not been reported in the literature in individuals affected with SEPT9-related conditions. Advanced modeling of protein sequence and biophysical properties (such as structural, functional, and spatial information, amino acid conservation, physicochemical variation, residue mobility, and thermodynamic stability) performed at Invitae indicates that this missense variant is not expected to disrupt SEPT9 protein function. In summary, the available evidence is currently insufficient to determine the role of this variant in disease. Therefore, it has been classified as a Variant of Uncertain Significance.